The following is an entry in ClinVar:

ClinVar aggregate classification (germline): Uncertain significance (1 of 4 stars; one submission).

Submission:

Labcorp Genetics (formerly Invitae), Labcorp
Classification: Uncertain significance. Last evaluated: 2024-07-15. Review status: criteria provided, single submitter. Criteria: Invitae Variant Classification Sherloc (09022015). Collection method: clinical testing. Allele origin: germline.
Comment: This sequence change replaces serine, which is neutral and polar, with phenylalanine, which is neutral and non-polar, at codon 91 of the FBXW7 protein (p.Ser91Phe). This variant is present in population databases (rs779300038, gnomAD no frequency). This variant has not been reported in the literature in individuals affected with FBXW7-related conditions. Experimental studies and prediction algorithms are not available or were not evaluated, and the functional significance of this variant is currently unknown. In summary, the available evidence is currently insufficient to determine the role of this variant in disease. Therefore, it has been classified as a Variant of Uncertain Significance.

NM_001349798.2(FBXW7):c.272C>T (p.Ser91Phe)

Gene: FBXW7 (F-box and WD repeat domain containing 7; minus strand). Cytogenetic location: 4q31.3.
Variant type: single nucleotide variant.
Coding change: c.272C>T on transcript NM_001349798.2 (MANE Select); coding-DNA position 272, C replaced by T.
Protein change: p.Ser91Phe; replaces serine 91 with phenylalanine.
Molecular consequence: missense variant.
Genome position (GRCh38, 1-based): chr4:152,411,532, G>A on the plus strand (C>T on the coding strand, the complement: FBXW7 is on the minus strand). VCF-style: chr4-152411532-G-A. GRCh37 (hg19) VCF-style: chr4-153332684-G-A.
Other names: c.272C>T, p.Ser91Phe (NM_001257069.1, NM_033632.3); short protein forms S91F.
Identifiers: ClinVar variation 3648394 (VCV003648394.2).